The following is an entry in ClinVar:

NM_001048174.2(MUTYH):c.1107G>T (p.Leu369=)

Gene: MUTYH (mutY DNA glycosylase; minus strand). Cytogenetic location: 1p34.1.
Variant type: single nucleotide variant.
Coding change: c.1107G>T on transcript NM_001048174.2 (MANE Select); coding-DNA position 1107, G replaced by T.
Protein change: p.Leu369=; no amino-acid change (leucine 369 retained).
Molecular consequence: synonymous variant. On other transcripts: non-coding transcript variant (2).
Genome position (GRCh38, 1-based): chr1:45,331,552, C>A on the plus strand (G>T on the coding strand, the complement: MUTYH is on the minus strand). VCF-style: chr1-45331552-C-A. GRCh37 (hg19) VCF-style: chr1-45797224-C-A.
Other names: c.1107G>T, p.Leu369= (NM_001048171.2, NM_001048173.2, NM_001293195.2); c.1110G>T, p.Leu370= (NM_001048172.2); c.1191G>T, p.Leu397= (NM_001128425.2); c.1152G>T, p.Leu384= (NM_001293190.2); c.1140G>T, p.Leu380= (NM_001293191.2); c.831G>T, p.Leu277= (NM_001293192.2, NM_001293196.2); c.762G>T, p.Leu254= (NM_001350650.2, NM_001350651.2); c.1182G>T, p.Leu394= (NM_012222.3).
Identifiers: ClinVar variation 184102 (VCV000184102.35), dbSNP rs201412035, ClinGen allele CA012294.

ClinVar aggregate classification (germline): Conflicting classifications of pathogenicity. Review status: criteria provided, conflicting classifications (1 of 4 stars). 10 submissions from 10 submitters: Uncertain significance (3); Benign (1); Likely benign (6). Last evaluated 2026-02-03.

Conditions:
Familial adenomatous polyposis 2. Also called: FAP type 2; Adenomas, multiple colorectal; MUTYH Polyposis; MYH-associated polyposis; MUTYH-associated polyposis; MUTYH-related attenuated familial adenomatous polyposis. Identifiers: Orphanet 220460, Orphanet 247798, MedGen C3272841, MONDO:0012041, OMIM 608456.
Gastric cancer. Also called: Stomach cancer; Malignant tumor of stomach. Identifiers: MedGen C0024623, MeSH D013274, MONDO:0001056, OMIM 613659, HP:0012126.
Hereditary cancer-predisposing syndrome. Also called: Tumor predisposition; Neoplastic Syndromes, Hereditary; Hereditary Cancer Syndrome; Hereditary neoplastic syndrome. Identifiers: Orphanet 140162, MedGen C0027672, MeSH D009386, MONDO:0015356.

Allele frequency attached by ClinVar (database versions not stated): TOPMed 0.00003; gnomAD exomes 0.00004 and 0.00012; gnomAD 0.00007; ExAC 0.00008.
gnomAD v4.1: 176 of 1,613,844 alleles (0.011%); highest among the groups gnomAD compares: Non-Finnish European, 0.014%; no homozygotes.

Submissions (11):

Labcorp Genetics (formerly Invitae), Labcorp
Classification: Likely benign for Familial adenomatous polyposis 2. Last evaluated: 2026-02-03. Review status: criteria provided, single submitter. Criteria: Invitae Variant Classification Sherloc (09022015). Collection method: clinical testing. Allele origin: germline.

Women's Health and Genetics/Laboratory Corporation of America, LabCorp
Classification: Likely benign. Last evaluated: 2025-03-23. Review status: criteria provided, single submitter. Criteria: LabCorp Variant Classification Summary - May 2015. Collection method: clinical testing. Allele origin: germline.

All of Us Research Program, National Institutes of Health
Classification: Likely benign for Familial adenomatous polyposis 2. Last evaluated: 2024-02-05. Review status: criteria provided, single submitter. Criteria: ACMG Guidelines, 2015. Collection method: clinical testing. Allele origin: germline. Inheritance: Autosomal recessive inheritance. Observed: 14 variant alleles, 14 heterozygotes.
Comment: This study involves interpretation of variants in research participants for the purpose of population health screening. Participant phenotype was not available at the time of variant classification. Additional details can be found in publication PMID: 35346344, PMCID: PMC8962531

Sema4
Classification: Uncertain significance for Hereditary cancer-predisposing syndrome. Last evaluated: 2021-09-25. Review status: criteria provided, single submitter. Criteria: Sema4 Curation Guidelines. Collection method: curation. Allele origin: germline.
Comment: The MUTYH c.1191G>T (p.L397=) variant has not been reported in the literature to our knowledge. It was observed in 14/128332 chromosomes of the Non-Finnish European subpopulation, including no homozygotes, in the large and broad cohorts of the Genome Aggregation Database (PMID: 32461654). The variant has been reported in ClinVar (Variation ID 184102). In silico tools suggest that the variant may have an impact on splicing, though these predictions have not been confirmed by functional studies. The evidence is insufficient to meet ACMG/AMP criteria for classifying the variant as benign or pathogenic. Thus, the clinical significance of this variant is currently uncertain.

Department of Pathology and Laboratory Medicine, Sinai Health System
Classification: Uncertain significance for Familial adenomatous polyposis 2; Gastric cancer. Last evaluated: 2021-01-06. Review status: criteria provided, single submitter. Criteria: ACMG Guidelines, 2015. Collection method: clinical testing. Allele origin: germline. Affected: yes.

ARUP Laboratories, Molecular Genetics and Genomics, ARUP Laboratories
Classification: Likely benign. Last evaluated: 2020-10-12. Review status: criteria provided, single submitter. Criteria: ARUP Molecular Germline Variant Investigation Process 2021. Collection method: clinical testing. Allele origin: germline.

Illumina Laboratory Services, Illumina
Classification: Uncertain significance for Familial adenomatous polyposis 2. Last evaluated: 2018-01-13. Review status: criteria provided, single submitter. Criteria: ICSL Variant Classification Criteria 13 December 2019. Collection method: clinical testing. Allele origin: germline.

Color Diagnostics, LLC DBA Color Health
Classification: Likely benign for Hereditary cancer-predisposing syndrome. Last evaluated: 2016-06-30. Review status: criteria provided, single submitter. Criteria: ACMG Guidelines, 2015. Collection method: clinical testing. Allele origin: germline.

GeneDx
Classification: Benign. Last evaluated: 2015-03-03. Review status: criteria provided, single submitter. Criteria: GeneDx Variant Classification Process June 2021. Collection method: clinical testing. Allele origin: germline. Affected: yes.

Ambry Genetics
Classification: Likely benign for Hereditary cancer-predisposing syndrome. Last evaluated: 2014-10-13. Review status: criteria provided, single submitter. Criteria: Ambry Variant Classification Scheme 2023. Collection method: clinical testing. Allele origin: germline.

Dr. Peter K. Rogan Lab, Western University
No classification provided (evidence only). Condition: Thyroid cancer, nonmedullary, 1. Review status: no classification provided. Collection method: in vitro. Allele origin: not applicable. Functional consequence: retained intron. Not counted in ClinVar's aggregate classification.